The following is an entry in ClinVar:

ClinVar aggregate classification (germline): Benign. Review status: criteria provided, multiple submitters, no conflicts (2 of 4 stars). 6 submissions from 6 submitters: Benign (6). Last evaluated 2026-02-04.

Conditions:
Leukocyte adhesion deficiency 3. Also called: Leukocyte adhesion deficiency, type III; INTEGRIN ACTIVATION DEFICIENCY DISEASE; LEUKOCYTE ADHESION DEFICIENCY 1 VARIANT. Identifiers: Orphanet 2968, Orphanet 99844, MedGen C2748536, MONDO:0013016, OMIM 612840.

Allele frequency attached by ClinVar (database versions not stated): 1000 Genomes Project 0.31290; 1000 Genomes Project 30x 0.31871; ESP Exome Variant Server 0.32632; gnomAD 0.33347 and 0.33480; TOPMed 0.33977.
gnomAD v4.1: 544,773 of 1,573,828 alleles (35%); highest among the groups gnomAD compares: Admixed American, 41%; 95,407 homozygotes.

Submissions (8):

Labcorp Genetics (formerly Invitae), Labcorp
Classification: Benign for Leukocyte adhesion deficiency 3. Last evaluated: 2026-02-04. Review status: criteria provided, single submitter. Criteria: Invitae Variant Classification Sherloc (09022015). Collection method: clinical testing. Allele origin: germline.

Women's Health and Genetics/Laboratory Corporation of America, LabCorp
Classification: Benign. Last evaluated: 2026-01-21. Review status: criteria provided, single submitter. Criteria: LabCorp Variant Classification Summary - May 2015. Collection method: clinical testing. Allele origin: germline.

Mayo Clinic Laboratories, Mayo Clinic
Classification: Benign. Last evaluated: 2022-09-29. Review status: criteria provided, single submitter. Criteria: ACMG Guidelines, 2015. Collection method: clinical testing. Allele origin: germline. Observed: 330 variant alleles.

GeneDx
Classification: Benign. Last evaluated: 2018-11-11. Review status: criteria provided, single submitter. Criteria: GeneDx Variant Classification Process June 2021. Collection method: clinical testing. Allele origin: germline. Affected: yes.

Laboratory for Molecular Medicine, Mass General Brigham Personalized Medicine
Classification: Benign. Last evaluated: 2016-03-29. Review status: criteria provided, single submitter. Criteria: LMM Criteria. Collection method: clinical testing. Allele origin: germline.
Comment: Variant identified in a genome or exome case(s) and assessed due to predicted null impact of the variant or pathogenic assertions in the literature or databases. Disclaimer: This variant has not undergone full assessment. The following are preliminary notes: Frequency

Breakthrough Genomics
Classification: Benign. Review status: criteria provided, single submitter. Criteria: ACMG Guidelines, 2015. Collection method: not provided. Allele origin: germline. Inheritance: Autosomal recessive inheritance. Affected: yes.

Dr. Peter K. Rogan Lab, Western University
No classification provided (evidence only). Condition: Hepatocellular carcinoma. Review status: no classification provided. Collection method: in vitro. Allele origin: not applicable. Functional consequence: retained intron. Not counted in ClinVar's aggregate classification.

Dr. Peter K. Rogan Lab, Western University
No classification provided (evidence only). Condition: Hepatocellular carcinoma. Review status: no classification provided. Collection method: in vitro. Allele origin: not applicable. Functional consequence: retained intron. Not counted in ClinVar's aggregate classification.

NM_031471.6(FERMT3):c.787-10C>A

Gene: FERMT3 (FERM domain containing kindlin 3; plus strand). Cytogenetic location: 11q13.1.
Variant type: single nucleotide variant.
Coding change: c.787-10C>A on transcript NM_031471.6 (MANE Select); 10 bases into the intron before coding-DNA position 787, C replaced by A.
Molecular consequence: intron variant.
Genome position (GRCh38, 1-based): chr11:64,219,241, C>A. VCF-style: chr11-64219241-C-A. GRCh37 (hg19) VCF-style: chr11-63986713-C-A.
Other names: p.?; c.787-10C>A (NM_001382448.1, NM_178443.3, NM_001382362.1 and 1 more transcripts); c.247-10C>A (NM_001382364.1, NM_001382363.1).
Identifiers: ClinVar variation 402862 (VCV000402862.18), dbSNP rs11603538, ClinGen allele CA6068915.